The following is an entry in ClinVar:

ClinVar aggregate classification (germline): Uncertain significance (1 of 4 stars; one submission).

Conditions:
Menke-Hennekam syndrome 2 (MKHK2). Identifiers: MedGen C5193035, MONDO:0020769, OMIM 618333.
Rubinstein-Taybi syndrome due to EP300 haploinsufficiency. Also called: EP300-Related Rubinstein-Taybi Syndrome; RUBINSTEIN-TAYBI SYNDROME 2. Identifiers: Orphanet 353284, Orphanet 783, MedGen C3150941, MONDO:0013364, OMIM 613684.
Colorectal cancer. Also called: Colorectal cancer, somatic; Malignant Colorectal Neoplasm. Identifiers: MedGen C0346629, MONDO:0005575, OMIM 114500.

Submission:

Juno Genomics, Hangzhou Juno Genomics, Inc
Classification: Uncertain significance for Colorectal cancer; Menke-Hennekam syndrome 2; Rubinstein-Taybi syndrome due to EP300 haploinsufficiency. Review status: criteria provided, single submitter. Criteria: ACMG Guidelines, 2015. Collection method: clinical testing. Allele origin: germline.
Comment: Absent from controls (or at extremely low frequency if recessive) in Genome Aggregation Database.;Multiple lines of computational evidence support a deleterious effect on the gene or gene product.

NM_001429.4(EP300):c.4354C>A (p.Pro1452Thr)

Gene: EP300 (EP300 lysine acetyltransferase; plus strand). Cytogenetic location: 22q13.2.
Variant type: single nucleotide variant.
Coding change: c.4354C>A on transcript NM_001429.4 (MANE Select); coding-DNA position 4354, C replaced by A.
Protein change: p.Pro1452Thr; replaces proline 1452 with threonine.
Molecular consequence: missense variant.
Genome position (GRCh38, 1-based): chr22:41,170,473, C>A. VCF-style: chr22-41170473-C-A. GRCh37 (hg19) VCF-style: chr22-41566477-C-A.
Other names: c.4276C>A, p.Pro1426Thr (NM_001362843.2); short protein forms P1426T, P1452T.
Identifiers: ClinVar variation 5006498 (VCV005006498.2).